The following is an entry in ClinVar:

NM_000264.5(PTCH1):c.1602+9A>G

Gene: PTCH1 (patched 1; minus strand). Cytogenetic location: 9q22.32.
Variant type: single nucleotide variant.
Coding change: c.1602+9A>G on transcript NM_000264.5 (MANE Select); 9 bases into the intron after coding-DNA position 1602, A replaced by G.
Molecular consequence: intron variant.
Genome position (GRCh38, 1-based): chr9:95,476,750, T>C on the plus strand (A>G on the coding strand, the complement: PTCH1 is on the minus strand). VCF-style: chr9-95476750-T-C. GRCh37 (hg19) VCF-style: chr9-98239032-T-C.
Other names: c.1602+9A>G (NM_000264.4); c.1599+9A>G (NM_001083603.3); c.1404+9A>G (NM_001083602.3); c.1446+9A>G (NM_001354918.2); c.1149+9A>G (NM_001083605.3, NM_001083604.3, NM_001083606.3 and 1 more transcripts).
Identifiers: ClinVar variation 2143947 (VCV002143947.5), dbSNP rs1841070214, ClinGen allele CA1865644177.
Genomic context (GRCh38, chr9:95,476,750, plus strand): 5'-AGGACAAATACTTAGGAACAGAGGAAGCTGTGATGTCCCCAAAGCTCTCTTCTTTTGTTT[T>C]TGCATTACCTCAAAAGGGATTCTTTTATTCTGTCCTGTTTCACTGAAGGCGTGGGCCAGA-3'

ClinVar aggregate classification (germline): Conflicting classifications of pathogenicity. Review status: criteria provided, conflicting classifications (1 of 4 stars). 2 submissions from 2 submitters: Uncertain significance (1); Likely benign (1). Last evaluated 2025-12-17.

Conditions:
Gorlin syndrome. Also called: Nevoid Basal Cell Carcinoma Syndrome; Basal cell nevus syndrome. Identifiers: Orphanet 377, MedGen C0004779, MONDO:0007187.

Allele frequency attached by ClinVar (database versions not stated): gnomAD exomes 0.00001.
gnomAD v4.1: 8 of 1,611,636 alleles (0.0005%); highest among the groups gnomAD compares: East Asian, 0.0022%; no homozygotes.

Submissions (2):

Labcorp Genetics (formerly Invitae), Labcorp
Classification: Likely benign for Gorlin syndrome. Last evaluated: 2025-12-17. Review status: criteria provided, single submitter. Criteria: Invitae Variant Classification Sherloc (09022015). Collection method: clinical testing. Allele origin: germline.

Quest Diagnostics Nichols Institute San Juan Capistrano
Classification: Uncertain significance. Last evaluated: 2024-08-14. Review status: criteria provided, single submitter. Criteria: Quest Diagnostics criteria. Collection method: clinical testing. Allele origin: unknown.
Comment: The PTCH1 c.1602+9A>G variant has not been reported in individuals with PTCH1-related conditions in the published literature. It also has not been reported in large, multi-ethnic general populations (Genome Aggregation Database). Analysis of this variant using software algorithms for the prediction of the effect of nucleotide changes on splicing yielded predictions that this variant does not affect PTCH1 mRNA splicing. Based on the available information, we are unable to determine the clinical significance of this variant.